The following is an entry in ClinVar:

NM_182931.3(KMT2E):c.536G>A (p.Arg179Gln)

Gene: KMT2E (lysine methyltransferase 2E (inactive); plus strand). Cytogenetic location: 7q22.3.
Variant type: single nucleotide variant.
Coding change: c.536G>A on transcript NM_182931.3 (MANE Select); coding-DNA position 536, G replaced by A.
Protein change: p.Arg179Gln; replaces arginine 179 with glutamine.
Molecular consequence: missense variant.
Genome position (GRCh38, 1-based): chr7:105,073,657, G>A. VCF-style: chr7-105073657-G-A. GRCh37 (hg19) VCF-style: chr7-104714104-G-A.
Other names: c.536G>A, p.Arg179Gln (NM_001410908.1, NM_018682.4); short protein forms R179Q.
Identifiers: ClinVar variation 2881422 (VCV002881422.3), dbSNP rs371088361, ClinGen allele CA4423737.

ClinVar aggregate classification (germline): Uncertain significance (1 of 4 stars; one submission).

Allele frequency attached by ClinVar (database versions not stated): gnomAD 0.00001; TOPMed 0.00002; ExAC 0.00003; ESP Exome Variant Server 0.00008; gnomAD exomes 0.00003.
gnomAD v4.1: 38 of 1,603,368 alleles (0.0024%); highest among the groups gnomAD compares: Non-Finnish European, 0.0029%; no homozygotes.

Submission:

Labcorp Genetics (formerly Invitae), Labcorp
Classification: Uncertain significance. Last evaluated: 2025-09-16. Review status: criteria provided, single submitter. Criteria: Invitae Variant Classification Sherloc (09022015). Collection method: clinical testing. Allele origin: germline.
Comment: This sequence change replaces arginine, which is basic and polar, with glutamine, which is neutral and polar, at codon 179 of the KMT2E protein (p.Arg179Gln). This variant is present in population databases (rs371088361, gnomAD 0.007%). This variant has not been reported in the literature in individuals affected with KMT2E-related conditions. ClinVar contains an entry for this variant (Variation ID: 2881422). Invitae Evidence Modeling of protein sequence and biophysical properties (such as structural, functional, and spatial information, amino acid conservation, physicochemical variation, residue mobility, and thermodynamic stability) indicates that this missense variant is not expected to disrupt KMT2E protein function with a negative predictive value of 80%. In summary, the available evidence is currently insufficient to determine the role of this variant in disease. Therefore, it has been classified as a Variant of Uncertain Significance.